The following is an entry in ClinVar:

ClinVar aggregate classification (germline): Uncertain significance (1 of 4 stars; one submission).

Conditions:
Familial adenomatous polyposis 1 (FAP1). Also called: POLYPOSIS, ADENOMATOUS INTESTINAL; FAMILIAL ADENOMATOUS POLYPOSIS 1, ATTENUATED. Identifiers: MedGen C2713442, MONDO:0021056, OMIM 175100. Disease mechanism: loss of function.

Allele frequency attached by ClinVar (database versions not stated): gnomAD exomes below 0.00001.
gnomAD v4.1: 1 of 1,613,578 alleles (0.000062%); highest among the groups gnomAD compares: Non-Finnish European, 0.000085%; no homozygotes.

Submission:

Labcorp Genetics (formerly Invitae), Labcorp
Classification: Uncertain significance for Familial adenomatous polyposis 1. Last evaluated: 2018-07-08. Review status: criteria provided, single submitter. Criteria: Invitae Variant Classification Sherloc (09022015). Collection method: clinical testing. Allele origin: germline.
Comment: This variant is not present in population databases (ExAC no frequency). In summary, the available evidence is currently insufficient to determine the role of this variant in disease. Therefore, it has been classified as a Variant of Uncertain Significance. Algorithms developed to predict the effect of missense changes on protein structure and function are either unavailable or do not agree on the potential impact of this missense change (SIFT: "Deleterious"; PolyPhen-2: "Benign"; Align-GVGD: "Class C0"). This variant has not been reported in the literature in individuals with APC-related disease. This sequence change replaces asparagine with aspartic acid at codon 2206 of the APC protein (p.Asn2206Asp). The asparagine residue is highly conserved and there is a small physicochemical difference between asparagine and aspartic acid.

NM_000038.6(APC):c.6616A>G (p.Asn2206Asp)

Gene: APC (APC regulator of Wnt signaling pathway; plus strand). Cytogenetic location: 5q22.2.
Variant type: single nucleotide variant.
Coding change: c.6616A>G on transcript NM_000038.6 (MANE Select); coding-DNA position 6616, A replaced by G.
Protein change: p.Asn2206Asp; replaces asparagine 2206 with aspartic acid.
Molecular consequence: missense variant.
Genome position (GRCh38, 1-based): chr5:112,842,210, A>G. VCF-style: chr5-112842210-A-G. GRCh37 (hg19) VCF-style: chr5-112177907-A-G.
Other names: c.6616A>G, p.Asn2206Asp (NM_001127510.3, NM_001354895.2); c.6562A>G, p.Asn2188Asp (NM_001127511.3); c.6670A>G, p.Asn2224Asp (NM_001354896.2); c.6646A>G, p.Asn2216Asp (NM_001354897.2); c.6541A>G, p.Asn2181Asp (NM_001354898.2); c.6532A>G, p.Asn2178Asp (NM_001354899.2); c.6493A>G, p.Asn2165Asp (NM_001354900.2); c.6439A>G, p.Asn2147Asp (NM_001354901.2); and 5 more; short protein forms N1923D, N2115D, N2165D, N2188D, N2105D, N2147D, N2206D, N2080D.
Identifiers: ClinVar variation 639776 (VCV000639776.10), dbSNP rs1580672759, ClinGen allele CA16035802.
Genomic context (GRCh38, chr5:112,842,210, plus strand): 5'-AAAGGAATCAAAGGAGGAAAAAAAGTTTATAAAAGTTTGATTACTGGAAAAGTTCGATCT[A>G]ATTCAGAAATTTCAGGCCAAATGAAACAGCCCCTTCAAGCAAACATGCCTTCAATCTCTC-3'
Protein context (NP_000029.2, residues 2196-2216): KSLITGKVRS[Asn2206Asp]SEISGQMKQP